The following is an entry in ClinVar:

ClinVar aggregate classification (germline): Uncertain significance. Review status: criteria provided, multiple submitters, no conflicts (2 of 4 stars). 3 submissions from 3 submitters: Uncertain significance (3). Last evaluated 2021-11-25.

Conditions:
Migraine, familial hemiplegic, 1. Also called: MIGRAINE, FAMILIAL HEMIPLEGIC 1, WITH PROGRESSIVE CEREBELLAR ATAXIA. Identifiers: Orphanet 569, MedGen C1832884, MONDO:0020756, OMIM 141500, MONDO:0007714.

Allele frequency attached by ClinVar (database versions not stated): gnomAD 0.00002; 1000 Genomes Project 30x 0.00484.

Submissions (3):

Revvity Omics, Revvity
Classification: Uncertain significance. Last evaluated: 2021-11-25. Review status: criteria provided, single submitter. Criteria: ACMG Guidelines, 2015. Collection method: clinical testing. Allele origin: germline.

Centre for Mendelian Genomics, University Medical Centre Ljubljana
Classification: Uncertain significance for Migraine, familial hemiplegic, 1. Last evaluated: 2018-09-25. Review status: criteria provided, single submitter. Criteria: ACMG Guidelines, 2015. Collection method: clinical testing. Allele origin: unknown. Affected: yes.
Comment: This variant was classified as: Uncertain significance. The available evidence on this variant's pathogenicity is insufficient or conflicting. The following ACMG criteria were applied in classifying this variant: PM2,PP3.

Breakthrough Genomics
Classification: Uncertain significance. Review status: criteria provided, single submitter. Criteria: ACMG Guidelines, 2015. Collection method: not provided. Allele origin: germline. Inheritance: Autosomal dominant inheritance. Affected: yes.

NM_001127222.2(CACNA1A):c.6647A>C (p.His2216Pro)

Gene: CACNA1A (calcium voltage-gated channel subunit alpha1 A; minus strand). Cytogenetic location: 19p13.13.
Variant type: single nucleotide variant.
Coding change: c.6647A>C on transcript NM_001127222.2 (MANE Select); coding-DNA position 6647, A replaced by C.
Protein change: p.His2216Pro; replaces histidine 2216 with proline.
Molecular consequence: missense variant.
Genome position (GRCh38, 1-based): chr19:13,208,889, T>G on the plus strand (A>C on the coding strand, the complement: CACNA1A is on the minus strand). VCF-style: chr19-13208889-T-G. GRCh37 (hg19) VCF-style: chr19-13319703-T-G.
Other names: c.6650A>C (NM_001127221.1); c.6665A>C, p.His2222Pro (NM_000068.4, NM_023035.3); c.6650A>C, p.His2217Pro (NM_001127221.2); c.6656A>C, p.His2219Pro (NM_001174080.2); short protein forms H2216P, H2217P, H2219P, H2222P.
Identifiers: ClinVar variation 931816 (VCV000931816.7), dbSNP rs2054687187, ClinGen allele CA404330451.